The following is an entry in ClinVar:

NM_030962.4(SBF2):c.3969G>A (p.Ser1323=)

Gene: SBF2 (SET binding factor 2; minus strand). Cytogenetic location: 11p15.4.
Variant type: single nucleotide variant.
Coding change: c.3969G>A on transcript NM_030962.4 (MANE Select); coding-DNA position 3969, G replaced by A.
Protein change: p.Ser1323=; no amino-acid change (serine 1323 retained).
Molecular consequence: synonymous variant.
Genome position (GRCh38, 1-based): chr11:9,816,849, C>T on the plus strand (G>A on the coding strand, the complement: SBF2 is on the minus strand). VCF-style: chr11-9816849-C-T. GRCh37 (hg19) VCF-style: chr11-9838396-C-T.
Other names: p.Ser1323=; c.4065G>A, p.Ser1355= (NM_001386339.1); c.3840G>A, p.Ser1280= (NM_001386342.1).
Identifiers: ClinVar variation 698569 (VCV000698569.27), dbSNP rs77833016, ClinGen allele CA5881101.

ClinVar aggregate classification (germline): Likely benign. Review status: criteria provided, multiple submitters, no conflicts (2 of 4 stars). 5 submissions from 5 submitters: Likely benign (5). Last evaluated 2026-01-22.

Conditions:
Charcot-Marie-Tooth disease type 4. Also called: Charcot-Marie-Tooth disease, type IV; Charcot-Marie-Tooth, Type 4. Identifiers: Orphanet 64749, MedGen C4082197, MONDO:0018995.
Charcot-Marie-Tooth disease. Also called: Charcot-Marie-Tooth Neuropathy; Charcot-Marie-Tooth Hereditary Neuropathy. Identifiers: Orphanet 166, MedGen C0007959, MONDO:0015626.

Allele frequency attached by ClinVar (database versions not stated): gnomAD exomes 0.00019; ExAC 0.00026; gnomAD 0.00063 and 0.00067; TOPMed 0.00068; ESP Exome Variant Server 0.00077; 1000 Genomes Project 0.00100; 1000 Genomes Project 30x 0.00125.
gnomAD v4.1: 259 of 1,614,016 alleles (0.016%); highest among the groups gnomAD compares: African/African-American, 0.23%; no homozygotes.

Submissions (5):

Labcorp Genetics (formerly Invitae), Labcorp
Classification: Likely benign for Charcot-Marie-Tooth disease type 4. Last evaluated: 2026-01-22. Review status: criteria provided, single submitter. Criteria: Invitae Variant Classification Sherloc (09022015). Collection method: clinical testing. Allele origin: germline.

Mayo Clinic Laboratories, Mayo Clinic
Classification: Likely benign. Last evaluated: 2025-06-03. Review status: criteria provided, single submitter. Criteria: ACMG Guidelines, 2015. Collection method: clinical testing. Allele origin: germline. Observed: 1 variant allele.
Comment: BP4, BP7

CeGaT Center for Human Genetics Tuebingen
Classification: Likely benign. Last evaluated: 2025-02-01. Review status: criteria provided, single submitter. Criteria: CeGaT Center For Human Genetics Tuebingen Variant Classification Criteria Version 2. Collection method: clinical testing. Allele origin: germline. Affected: yes. Observed: 1 variant allele.
Comment: SBF2: BP4, BP7

Athena Diagnostics
Classification: Likely benign. Last evaluated: 2019-03-11. Review status: criteria provided, single submitter. Criteria: Athena Diagnostics Criteria. Collection method: clinical testing. Allele origin: germline.

Molecular Genetics Laboratory, London Health Sciences Centre
Classification: Likely benign for Charcot-Marie-Tooth disease. Review status: criteria provided, single submitter. Criteria: ACMG Guidelines, 2015. Collection method: clinical testing. Allele origin: germline. Affected: yes.